The following is an entry in ClinVar:

ClinVar aggregate classification (germline): Uncertain significance (1 of 4 stars; one submission).

Conditions:
Brugada syndrome 8 (BRGDA8). Identifiers: Orphanet 130, MedGen C2751083, MONDO:0013148, OMIM 613123.

Submission:

Labcorp Genetics (formerly Invitae), Labcorp
Classification: Uncertain significance for Brugada syndrome 8. Last evaluated: 2020-10-27. Review status: criteria provided, single submitter. Criteria: Invitae Variant Classification Sherloc (09022015). Collection method: clinical testing. Allele origin: germline.
Comment: In summary, the available evidence is currently insufficient to determine the role of this variant in disease. Therefore, it has been classified as a Variant of Uncertain Significance. Experimental studies and prediction algorithms are not available or were not evaluated, and the functional significance of this variant is currently unknown. This variant has not been reported in the literature in individuals with HCN4-related conditions. This variant is a gross deletion of the genomic region encompassing exon(s) 1 of the HCN4 gene, which includes the initiator codon. The 5' end of this event is unknown as it extends beyond the assayed region for this gene and therefore may encompass additional genes. The 3' boundary is likely confined to intron 1 of the HCN4 gene. It is expected to result in an absent or disrupted protein product. However, the current clinical and genetic evidence is not sufficient to establish whether loss-of-function variants in HCN4 cause disease.

NC_000015.9:g.(?_73659817)_(73660621_?)del

Gene: HCN4 (hyperpolarization activated cyclic nucleotide gated potassium channel 4; minus strand). Cytogenetic location: 15q24.1.
Variant type: Deletion.
Identifiers: ClinVar variation 1440420 (VCV001440420.4).